The following is an entry in ClinVar:

NM_016123.4(IRAK4):c.1188G>A (p.Leu396=)

Gene: IRAK4 (interleukin 1 receptor associated kinase 4; plus strand). Cytogenetic location: 12q12.
Variant type: single nucleotide variant.
Coding change: c.1188G>A on transcript NM_016123.4 (MANE Select); coding-DNA position 1188, G replaced by A.
Protein change: p.Leu396=; no amino-acid change (leucine 396 retained).
Molecular consequence: synonymous variant.
Genome position (GRCh38, 1-based): chr12:43,783,724, G>A. VCF-style: chr12-43783724-G-A. GRCh37 (hg19) VCF-style: chr12-44177527-G-A.
Other names: c.1188G>A, p.Leu396= (NM_001114182.3, NM_001351345.2); c.816G>A, p.Leu272= (NM_001145256.2, NM_001145257.2, NM_001145258.2 and 5 more transcripts); c.579G>A, p.Leu193= (NM_001351343.2, NM_001351344.2).
Identifiers: ClinVar variation 1480602 (VCV001480602.6), dbSNP rs2138059924, ClinGen allele CA479402826.
Genomic context (GRCh38, chr12:43,783,724, plus strand): 5'-TTTACTAGAAATAATAACTGGACTTCCAGCTGTGGATGAACACCGTGAACCTCAGTTATT[G>A]GTAAATGAAATATTCATTTTCCTCAATCCTTTTTTCTCTGCTTTTGTAGTCTAAATTTAT-3'
Protein context (NP_057207.2, residues 386-406): AVDEHREPQL[Leu396=]LDIKEEIEDE

ClinVar aggregate classification (germline): Uncertain significance (1 of 4 stars; one submission).

Conditions:
Immunodeficiency 67. Also called: Immunodeficiency due to interleukin-1 receptor-associated kinase-4 deficiency. Identifiers: Orphanet 70592, MedGen C1843256, MONDO:0011888, OMIM 607676.

Submission:

Labcorp Genetics (formerly Invitae), Labcorp
Classification: Uncertain significance for Immunodeficiency 67. Last evaluated: 2022-06-20. Review status: criteria provided, single submitter. Criteria: Invitae Variant Classification Sherloc (09022015). Collection method: clinical testing. Allele origin: germline.
Comment: In summary, the available evidence is currently insufficient to determine the role of this variant in disease. Therefore, it has been classified as a Variant of Uncertain Significance. Variants that disrupt the consensus splice site are a relatively common cause of aberrant splicing (PMID: 17576681, 9536098). Algorithms developed to predict the effect of sequence changes on RNA splicing suggest that this variant may disrupt the consensus splice site. This variant has not been reported in the literature in individuals affected with IRAK4-related conditions. This variant is not present in population databases (gnomAD no frequency). This sequence change affects codon 396 of the IRAK4 mRNA. It is a 'silent' change, meaning that it does not change the encoded amino acid sequence of the IRAK4 protein. This variant also falls at the last nucleotide of exon 10, which is part of the consensus splice site for this exon.

Literature cited by the submitters: PubMed 17576681; PubMed 9536098.